The following is an entry in ClinVar:

NM_000222.3(KIT):c.1149A>G (p.Lys383=)

Gene: KIT (KIT proto-oncogene, receptor tyrosine kinase; plus strand). Cytogenetic location: 4q12.
Variant type: single nucleotide variant.
Coding change: c.1149A>G on transcript NM_000222.3 (MANE Select); coding-DNA position 1149, A replaced by G.
Protein change: p.Lys383=; no amino-acid change (lysine 383 retained).
Molecular consequence: synonymous variant.
Genome position (GRCh38, 1-based): chr4:54,709,457, A>G. VCF-style: chr4-54709457-A-G. GRCh37 (hg19) VCF-style: chr4-55575623-A-G.
Other names: c.1152A>G, p.Lys384= (NM_001385292.1, NM_001385284.1, NM_001385288.1 and 1 more transcripts); c.1149A>G, p.Lys383= (NM_001093772.2, NM_001385285.1, NM_001385286.1).
Identifiers: ClinVar variation 1146557 (VCV001146557.12), dbSNP rs2109714064, ClinGen allele CA439288736.

ClinVar aggregate classification (germline): Benign/Likely benign. Review status: criteria provided, multiple submitters, no conflicts (2 of 4 stars). 3 submissions from 3 submitters: Benign (1); Likely benign (2). Last evaluated 2026-06-03.

Conditions:
Gastrointestinal stromal tumor. Also called: Gastrointestinal stroma tumor; Gastrointestinal stromal tumor, somatic. Identifiers: Orphanet 44890, MedGen C0238198, MeSH D046152, MONDO:0011719, OMIM 606764, HP:0100723.
Hereditary cancer-predisposing syndrome. Also called: Tumor predisposition; Hereditary Cancer Syndrome; Hereditary neoplastic syndrome; Neoplastic Syndromes, Hereditary. Identifiers: Orphanet 140162, MedGen C0027672, MeSH D009386, MONDO:0015356.

Submissions (3):

Myriad Genetics, Inc.
Classification: Benign for Gastrointestinal stromal tumor. Last evaluated: 2026-06-03. Review status: criteria provided, single submitter. Criteria: Myriad Autosomal Dominant, Autosomal Recessive and X-Linked Classification Criteria (2023). Collection method: clinical testing. Allele origin: unknown.
Comment: This variant is considered benign. This variant is a silent/synonymous amino acid change and it is not expected to impact splicing.

Labcorp Genetics (formerly Invitae), Labcorp
Classification: Likely benign for Gastrointestinal stromal tumor. Last evaluated: 2025-10-13. Review status: criteria provided, single submitter. Criteria: Invitae Variant Classification Sherloc (09022015). Collection method: clinical testing. Allele origin: germline.

Ambry Genetics
Classification: Likely benign for Hereditary cancer-predisposing syndrome. Last evaluated: 2022-04-22. Review status: criteria provided, single submitter. Criteria: Ambry Variant Classification Scheme 2023. Collection method: clinical testing. Allele origin: germline.